The following is an entry in ClinVar:

NM_006182.4(DDR2):c.1153A>T (p.Thr385Ser)

Gene: DDR2 (discoidin domain receptor tyrosine kinase 2; plus strand). Cytogenetic location: 1q23.3.
Variant type: single nucleotide variant.
Coding change: c.1153A>T on transcript NM_006182.4 (MANE Select); coding-DNA position 1153, A replaced by T.
Protein change: p.Thr385Ser; replaces threonine 385 with serine.
Molecular consequence: missense variant.
Genome position (GRCh38, 1-based): chr1:162,766,054, A>T. VCF-style: chr1-162766054-A-T. GRCh37 (hg19) VCF-style: chr1-162735844-A-T.
Other names: c.1153A>T, p.Thr385Ser (NM_001014796.3, NM_001354982.2, NM_001354983.2); short protein forms T385S.
Identifiers: ClinVar variation 1041969 (VCV001041969.12), dbSNP rs749852883, ClinGen allele CA1217435.

ClinVar aggregate classification (germline): Conflicting classifications of pathogenicity. Review status: criteria provided, conflicting classifications (1 of 4 stars). 4 submissions from 4 submitters: Uncertain significance (3); Likely benign (1). Last evaluated 2026-01-24.

Conditions:
Inborn genetic diseases. Identifiers: MedGen C0950123, MeSH D030342.

Allele frequency attached by ClinVar (database versions not stated): ExAC 0.00005; gnomAD exomes 0.00008 and 0.00013; gnomAD 0.00015 and 0.00016; TOPMed 0.00022.
gnomAD v4.1: 73 of 1,613,784 alleles (0.0045%); highest among the groups gnomAD compares: Admixed American, 0.12%; 2 homozygotes.

Submissions (4):

Labcorp Genetics (formerly Invitae), Labcorp
Classification: Likely benign. Last evaluated: 2026-01-24. Review status: criteria provided, single submitter. Criteria: Invitae Variant Classification Sherloc (09022015). Collection method: clinical testing. Allele origin: germline.

Ambry Genetics
Classification: Uncertain significance for Inborn genetic diseases. Last evaluated: 2021-08-10. Review status: criteria provided, single submitter. Criteria: Ambry Variant Classification Scheme 2023. Collection method: clinical testing. Allele origin: germline.

GeneDx
Classification: Uncertain significance. Last evaluated: 2020-08-11. Review status: criteria provided, single submitter. Criteria: GeneDx Variant Classification Process June 2021. Collection method: clinical testing. Allele origin: germline. Affected: yes.
Comment: In silico analysis, which includes protein predictors and evolutionary conservation, supports that this variant does not alter protein structure/function; Has not been previously published as pathogenic or benign to our knowledge

Revvity Omics, Revvity
Classification: Uncertain significance. Last evaluated: 2019-05-10. Review status: criteria provided, single submitter. Criteria: ACMG Guidelines, 2015. Collection method: clinical testing. Allele origin: germline.